The following is an entry in ClinVar:

ClinVar aggregate classification (germline): Uncertain significance (1 of 4 stars; one submission).

Submission:

Ambry Genetics
Classification: Uncertain significance. Last evaluated: 2025-07-03. Review status: criteria provided, single submitter. Criteria: Ambry Variant Classification Scheme 2023. Collection method: clinical testing. Allele origin: germline.
Comment: The p.L1067P variant (also known as c.3200T>C), located in coding exon 28 of the KIF1B gene, results from a T to C substitution at nucleotide position 3200. The leucine at codon 1067 is replaced by proline, an amino acid with similar properties. This amino acid position is conserved. In addition, the in silico prediction for this alteration is inconclusive. Based on the available evidence, the clinical significance of this variant remains unclear.

NM_001365951.3(KIF1B):c.3338T>C (p.Leu1113Pro)

Gene: KIF1B (kinesin family member 1B; plus strand). Cytogenetic location: 1p36.22.
Variant type: single nucleotide variant.
Coding change: c.3338T>C on transcript NM_001365951.3 (MANE Select); coding-DNA position 3338, T replaced by C.
Protein change: p.Leu1113Pro; replaces leucine 1113 with proline.
Molecular consequence: missense variant.
Genome position (GRCh38, 1-based): chr1:10,337,449, T>C. VCF-style: chr1-10337449-T-C. GRCh37 (hg19) VCF-style: chr1-10397507-T-C.
Other names: c.3338T>C, p.Leu1113Pro (NM_001365952.1); c.3200T>C, p.Leu1067Pro (NM_015074.3); short protein forms L1067P, L1113P.
Identifiers: ClinVar variation 4092332 (VCV004092332.1).